The following is an entry in ClinVar:

ClinVar aggregate classification (germline): Likely pathogenic (1 of 4 stars; one submission).

Conditions:
Acyl-CoA dehydrogenase 9 deficiency. Also called: Acyl-CoA dehydrogenase family, member 9, deficiency of; MITOCHONDRIAL COMPLEX I DEFICIENCY, NUCLEAR TYPE 20. Identifiers: Orphanet 99901, MedGen C4747517, MONDO:0012624, OMIM 611126.

Submission:

Natera, Inc.
Classification: Likely pathogenic for ACAD9 deficiency. Last evaluated: 2025-09-08. Review status: criteria provided, single submitter. Criteria: Natera Variant Classification Schema (03/2026). Collection method: clinical testing. Allele origin: germline.
Comment: The c.151-1G>C variant in ACAD9 is a canonical splice acceptor site variant predicted to affect pre-mRNA splicing, which may result in an abnormal transcript and altered protein product. This variant is expected to result in nonsense mediated decay, truncation, or a dysfunctional protein product. This variant is rare in the general population with a frequency below the threshold expected for the associated phenotype(s). Given the available evidence, this variant is classified as Likely Pathogenic.

NM_014049.5(ACAD9):c.151-1G>C

Gene: ACAD9 (acyl-CoA dehydrogenase family member 9; plus strand). Cytogenetic location: 3q21.3.
Variant type: single nucleotide variant.
Coding change: c.151-1G>C on transcript NM_014049.5 (MANE Select); the canonical splice acceptor site of the intron before coding-DNA position 151, G replaced by C.
Molecular consequence: splice acceptor variant. On other transcripts: intron variant (1).
Genome position (GRCh38, 1-based): chr3:128,884,652, G>C. VCF-style: chr3-128884652-G-C. GRCh37 (hg19) VCF-style: chr3-128603495-G-C.
Other names: c.-126+4811G>C (NM_001410805.1).
Identifiers: ClinVar variation 4815586 (VCV004815586.1).
Genomic context (GRCh38, chr3:128,884,652, plus strand): 5'-TATTTCCGTGATGGGAGTGTGCTAAAAATTAAATTTTTTAGAAAATATTTACTATTTTTA[G>C]AAAGAAGTTTTCCCATTTCCAGAAGTTAGCCAAGATGAACTTAATGAAATCAATCAGTTC-3'